The following is an entry in ClinVar:

ClinVar aggregate classification (germline): Uncertain significance. Review status: criteria provided, multiple submitters, no conflicts (2 of 4 stars). 2 submissions from 2 submitters: Uncertain significance (2). Last evaluated 2025-09-28.

Conditions:
Dilated cardiomyopathy 1J (CMD1J). Also called: CARDIOMYOPATHY, DILATED, WITH SENSORINEURAL HEARING LOSS, AUTOSOMAL DOMINANT. Identifiers: Orphanet 217622, MedGen C1854368, MONDO:0011541, OMIM 605362.
Autosomal dominant nonsyndromic hearing loss 10. Identifiers: Orphanet 90635, MedGen C1832476, MONDO:0011031, OMIM 601316.

Allele frequency attached by ClinVar (database versions not stated): gnomAD exomes below 0.00001.
gnomAD v4.1: 2 of 1,613,230 alleles (0.00012%); highest among the groups gnomAD compares: African/African-American, 0.0013%; no homozygotes.

Submissions (2):

Labcorp Genetics (formerly Invitae), Labcorp
Classification: Uncertain significance for Dilated cardiomyopathy 1J. Last evaluated: 2025-09-28. Review status: criteria provided, single submitter. Criteria: Invitae Variant Classification Sherloc (09022015). Collection method: clinical testing. Allele origin: germline.
Comment: This sequence change replaces serine, which is neutral and polar, with leucine, which is neutral and non-polar, at codon 11 of the EYA4 protein (p.Ser11Leu). This variant is present in population databases (no rsID available, gnomAD 0.007%). This variant has not been reported in the literature in individuals affected with EYA4-related conditions. ClinVar contains an entry for this variant (Variation ID: 1022045). An algorithm developed to predict the effect of missense changes on protein structure and function (PolyPhen-2) suggests that this variant is likely to be tolerated. In summary, the available evidence is currently insufficient to determine the role of this variant in disease. Therefore, it has been classified as a Variant of Uncertain Significance.

Fulgent Genetics
Classification: Uncertain significance for Autosomal dominant nonsyndromic hearing loss 10; Dilated cardiomyopathy 1J. Last evaluated: 2021-08-11. Review status: criteria provided, single submitter. Criteria: ACMG Guidelines, 2015. Collection method: clinical testing. Allele origin: unknown.

NM_004100.5(EYA4):c.32C>T (p.Ser11Leu)

Gene: EYA4 (EYA transcriptional coactivator and phosphatase 4; plus strand). Cytogenetic location: 6q23.2.
Variant type: single nucleotide variant.
Coding change: c.32C>T on transcript NM_004100.5 (MANE Select); coding-DNA position 32, C replaced by T.
Protein change: p.Ser11Leu; replaces serine 11 with leucine.
Molecular consequence: missense variant.
Genome position (GRCh38, 1-based): chr6:133,274,812, C>T. VCF-style: chr6-133274812-C-T. GRCh37 (hg19) VCF-style: chr6-133595950-C-T.
Other names: c.32C>T, p.Ser11Leu (NM_001301012.2, NM_001301013.2, NM_001370458.1 and 3 more transcripts); short protein forms S11L.
Identifiers: ClinVar variation 1022045 (VCV001022045.9), dbSNP rs1394230343, ClinGen allele CA365837754.
Genomic context (GRCh38, chr6:133,274,812, plus strand): 5'-GGGAGTGGCAGGAGAAGTGAGAAAACCACATGGAAGACTCCCAGGATTTAAATGAACAAT[C>T]AGTAAGTCTTCATTCTCAGTTTTGCTGAAAAAAGTTGCGATAACACTACTGAAAATCATA-3'
Protein context (NP_004091.3, residues 1-21): MEDSQDLNEQ[Ser11Leu]VKKTCTESDV